The following is an entry in ClinVar:

ClinVar aggregate classification (germline): Uncertain significance (1 of 4 stars; one submission).

gnomAD v4.1: 1 of 1,611,536 alleles (0.000062%); highest among the groups gnomAD compares: African/African-American, 0.0013%; no homozygotes.

Submission:

Ambry Genetics
Classification: Uncertain significance. Last evaluated: 2024-12-12. Review status: criteria provided, single submitter. Criteria: Ambry Variant Classification Scheme 2023. Collection method: clinical testing. Allele origin: germline.
Comment: The p.I226K variant (also known as c.677T>A), located in coding exon 5 of the GEN1 gene, results from a T to A substitution at nucleotide position 677. The isoleucine at codon 226 is replaced by lysine, an amino acid with dissimilar properties. This amino acid position is conserved. In addition, this alteration is predicted to be deleterious by in silico analysis. Based on the available evidence, the clinical significance of this variant remains unclear.

NM_001130009.3(GEN1):c.677T>A (p.Ile226Lys)

Gene: GEN1 (GEN1 Holliday junction 5' flap endonuclease; plus strand). Cytogenetic location: 2p24.2.
Variant type: single nucleotide variant.
Coding change: c.677T>A on transcript NM_001130009.3 (MANE Select); coding-DNA position 677, T replaced by A.
Protein change: p.Ile226Lys; replaces isoleucine 226 with lysine.
Molecular consequence: missense variant.
Genome position (GRCh38, 1-based): chr2:17,768,778, T>A. VCF-style: chr2-17768778-T-A. GRCh37 (hg19) VCF-style: chr2-17950045-T-A.
Other names: c.677T>A, p.Ile226Lys (NM_182625.5); short protein forms I226K.
Identifiers: ClinVar variation 3853420 (VCV003853420.1).